The following is an entry in ClinVar:

NM_001378454.1(ALMS1):c.8111C>T (p.Ser2704Phe)

Gene: ALMS1 (ALMS1 centrosome and basal body associated protein; plus strand). Cytogenetic location: 2p13.1.
Variant type: single nucleotide variant.
Coding change: c.8111C>T on transcript NM_001378454.1 (MANE Select); coding-DNA position 8111, C replaced by T.
Protein change: p.Ser2704Phe; replaces serine 2704 with phenylalanine.
Molecular consequence: missense variant.
Genome position (GRCh38, 1-based): chr2:73,490,070, C>T. VCF-style: chr2-73490070-C-T. GRCh37 (hg19) VCF-style: chr2-73717197-C-T.
Other names: c.8114C>T, p.Ser2705Phe (NM_015120.4); short protein forms S2705F, S2704F.
Identifiers: ClinVar variation 389822 (VCV000389822.5), dbSNP rs761272792, ClinGen allele CA1714405.

ClinVar aggregate classification (germline): Uncertain significance. Review status: criteria provided, multiple submitters, no conflicts (2 of 4 stars). 3 submissions from 3 submitters: Uncertain significance (2). 1 of the submissions does not count toward it. Last evaluated 2022-07-28.

Conditions:
Alstrom syndrome (ALMS). Identifiers: Orphanet 64, MedGen C0268425, MONDO:0008763, OMIM 203800.

Allele frequency attached by ClinVar (database versions not stated): gnomAD 0.00001; TOPMed 0.00001; ExAC 0.00002; gnomAD exomes 0.00002 and 0.00003.
gnomAD v4.1: 14 of 1,614,168 alleles (0.00087%); highest among the groups gnomAD compares: East Asian, 0.029%; no homozygotes.

Submissions (3):

Labcorp Genetics (formerly Invitae), Labcorp
Classification: Uncertain significance for Alstrom syndrome. Last evaluated: 2022-07-28. Review status: criteria provided, single submitter. Criteria: Invitae Variant Classification Sherloc (09022015). Collection method: clinical testing. Allele origin: germline.
Comment: This sequence change replaces serine, which is neutral and polar, with phenylalanine, which is neutral and non-polar, at codon 2705 of the ALMS1 protein (p.Ser2705Phe). This variant is present in population databases (rs761272792, gnomAD 0.04%). This variant has not been reported in the literature in individuals affected with ALMS1-related conditions. ClinVar contains an entry for this variant (Variation ID: 389822). Experimental studies and prediction algorithms are not available or were not evaluated, and the functional significance of this variant is currently unknown. In summary, the available evidence is currently insufficient to determine the role of this variant in disease. Therefore, it has been classified as a Variant of Uncertain Significance.

GeneDx
Classification: Uncertain significance. Last evaluated: 2016-10-07. Review status: criteria provided, single submitter. Criteria: GeneDx Variant Classification (06012015). Collection method: clinical testing. Allele origin: germline. Affected: yes.
Comment: A variant of uncertain significance has been identified in the ALMS1 gene. The S2705F variant has not been published as a pathogenic variant or been reported as a benign variant to our knowledge. This variant was not observed in approximately 6,000 individuals of European and African American ancestry in the NHLBI Exome Sequencing Project or with any significant frequency in the Exome Aggregation Consortium (ExAC), indicating it is not a common benign variant in these populations. The S2705F variant is a non-conservative amino acid substitution, which is likely to impact secondary protein structure as these residues differ in polarity, charge, size and/or other properties. Nevertheless, this substitution occurs at a position not conserved across species. Furthermore, in silico analysis predicts this variant likely does not alter the protein structure/function.Therefore, based on the currently available information, it is unclear whether this variant is pathogenic or rare benign.

Natera, Inc.
Classification: Uncertain significance for Alstrom syndrome. Last evaluated: 2020-10-28. Review status: no assertion criteria provided. Collection method: clinical testing. Allele origin: germline. Not counted in ClinVar's aggregate classification.